The following is an entry in ClinVar:

ClinVar aggregate classification (germline): Conflicting classifications of pathogenicity. Review status: criteria provided, conflicting classifications (1 of 4 stars). 4 submissions from 4 submitters: Uncertain significance (1); Likely benign (2). 1 of the submissions does not count toward it. Last evaluated 2026-01-26.

Conditions:
Hereditary intrinsic factor deficiency (IFD). Also called: PERNICIOUS ANEMIA, CONGENITAL, DUE TO DEFECT OF INTRINSIC FACTOR; Congenital intrinsic factor deficiency. Identifiers: Orphanet 332, MedGen C2062370, MONDO:0009852, OMIM 261000.

Submissions (4):

Labcorp Genetics (formerly Invitae), Labcorp
Classification: Likely benign for Hereditary intrinsic factor deficiency. Last evaluated: 2026-01-26. Review status: criteria provided, single submitter. Criteria: Invitae Variant Classification Sherloc (09022015). Collection method: clinical testing. Allele origin: germline.

Women's Health and Genetics/Laboratory Corporation of America, LabCorp
Classification: Likely benign. Last evaluated: 2025-06-19. Review status: criteria provided, single submitter. Criteria: LabCorp Variant Classification Summary - May 2015. Collection method: clinical testing. Allele origin: germline.
Comment: Variant summary: CBLIF c.435_437delGAA (p.Lys145del) results in an in-frame deletion that is predicted to remove one amino acid from the encoded protein. The observed variant frequency is slightly higher than the estimated maximal expected allele frequency for a pathogenic variant in CBLIF causing Intrinsic Factor Deficiency phenotype (0.0011). c.435_437delGAA has been observed in individuals affected with CBLIF related disorders in heterozygous state (Chery_2013, Abdrabo_2020). These report(s) do not provide unequivocal conclusions about association of the variant with Intrinsic Factor Deficiency. One publication reports experimental evidence evaluating an impact on protein function, however, does not allow convincing conclusions about the variant effect (Chery_2013). ClinVar contains an entry for this variant (Variation ID: 208192). Based on the evidence outlined above, the variant was classified as likely benign.

Blueprint Genetics
Classification: Uncertain significance. Last evaluated: 2024-11-19. Review status: criteria provided, single submitter. Criteria: ACMG Guidelines, 2015. Collection method: clinical testing. Allele origin: germline.

Inserm U 954, Faculté de Médecine de Nancy
No classification provided. Condition: Intrinsic factor deficiency. Review status: no classification provided. Collection method: not provided. Allele origin: unknown. Not counted in ClinVar's aggregate classification.
Comment: Chery C, Hehn A, Mrabet N, Oussalah A, Jeannesson E, Besseau C, Alberto JM, Gross I, Josse T, Grard P, Guant-Rodriguez RM, Freund JN, Devignes J, Bourgaud F, Peyrin-Biroulet L, Feillet F, Guant JL. Gastric intrinsic factor deficiency with combined GIF heterozygous mutations and FUT2 secretor variant. Biochimie. 2013 May;95(5):995-1001. doi: 10.1016/j.biochi.2013.01.022.

Literature cited by the submitters: PubMed 31462756 (cited by Women's Health and Genetics/Laboratory Corporation of America, LabCorp); PubMed 23402911 (cited by Women's Health and Genetics/Laboratory Corporation of America, LabCorp).

NM_005142.3(CBLIF):c.432GAA[1] (p.Lys145del)

Gene: CBLIF (cobalamin binding intrinsic factor; minus strand). Cytogenetic location: 11q12.1.
Variant type: Microsatellite.
Coding change: c.432GAA[1] on transcript NM_005142.3 (MANE Select); one copy of the 3-base unit GAA starting at c.432; the reference has two copies in a row; one copy, 3 bases deleted.
Protein change: p.Lys145del; deletes lysine 145.
Molecular consequence: inframe deletion.
Genome position (GRCh38, 1-based): chr11:59,842,517-59,842,519, TTC deleted on the plus strand (GAA on the coding strand, the reverse complement: CBLIF is on the minus strand); deleting any 3 consecutive bases within chr11:59,842,517-59,842,523 gives the same sequence; the position shown is the placement nearest the transcript's 3' end. VCF-style (leftmost placement, unchanged base first): chr11-59842516-GTTC-G. GRCh37 (hg19) VCF-style: chr11-59609989-GTTC-G.
Other names: c.435_437delGAA (NM_005142.3); short protein forms K145del.
Identifiers: ClinVar variation 208192 (VCV000208192.12), dbSNP rs770530971, ClinGen allele CA204388.